The following is an entry in ClinVar:

NM_003919.3(SGCE):c.386T>A (p.Ile129Asn)

Genes: CASD1 (CAS1 domain containing 1; plus strand), SGCE (sarcoglycan epsilon; minus strand). Cytogenetic location: 7q21.3.
Variant type: single nucleotide variant.
Coding change: c.386T>A on transcript NM_003919.3 (MANE Select); coding-DNA position 386, T replaced by A.
Protein change: p.Ile129Asn; replaces isoleucine 129 with asparagine.
Molecular consequence: missense variant.
Genome position (GRCh38, 1-based): chr7:94,628,206, A>T on the plus strand (T>A on the coding strand, the complement: SGCE is on the minus strand). VCF-style: chr7-94628206-A-T. GRCh37 (hg19) VCF-style: chr7-94257518-A-T.
Other names: c.386T>A, p.Ile129Asn (NM_001099400.2, NM_001099401.2, NM_001346717.2); c.263T>A, p.Ile88Asn (NM_001301139.2, NM_001362809.2); c.494T>A, p.Ile165Asn (NM_001346713.2, NM_001346715.2); c.299T>A, p.Ile100Asn (NM_001346719.2, NM_001362807.2); c.113T>A, p.Ile38Asn (NM_001346720.2, NM_001362808.2); short protein forms I129N, I100N, I88N, I38N, I165N.
Identifiers: ClinVar variation 448356 (VCV000448356.2), dbSNP rs1554358639, ClinGen allele CA368237720.

ClinVar aggregate classification (germline): Uncertain significance (1 of 4 stars; one submission).

Submission:

Athena Diagnostics
Classification: Uncertain significance. Last evaluated: 2023-06-05. Review status: criteria provided, single submitter. Criteria: Athena Diagnostics Criteria. Collection method: clinical testing. Allele origin: unknown.
Comment: Available data are insufficient to determine the clinical significance of the variant at this time. This variant has not been reported in large, multi-ethnic general populations. Computational tools predict that this variant is damaging.